The following is an entry in ClinVar:

ClinVar aggregate classification (germline): Uncertain significance (0 of 4 stars; one submission).

Conditions:
Immunodeficiency, common variable, 2 (CVID2). Also called: ANTIBODY DEFICIENCY DUE TO TACI DEFECT; HYPOGAMMAGLOBULINEMIA DUE TO TACI DEFICIENCY. Identifiers: Orphanet 1572, MedGen C3150354, MONDO:0009413, OMIM 240500.

Allele frequency attached by ClinVar (database versions not stated): gnomAD 0.00003.
gnomAD v4.1: 8 of 1,613,320 alleles (0.0005%); highest among the groups gnomAD compares: Admixed American, 0.0017%; no homozygotes.

Submission:

Genetech, Genetech Research Institute
Classification: Uncertain significance for Immunodeficiency, common variable, 2. Review status: no assertion criteria provided. Collection method: case-control. Allele origin: germline. Affected: yes. Observed: 1 variant allele, 1 heterozygote. Study: Screening of TNFRSF13B in a group of CVID and healthy controls in Sri Lanka.
Comment: However it doesn't necessarily alter the amino acid which is being translated. Therefore its more unlikely that NG_007281.1:g.36585G>C could cause the disease.

NM_012452.3(TNFRSF13B):c.453G>C (p.Pro151=)

Gene: TNFRSF13B (TNF receptor superfamily member 13B; minus strand). Cytogenetic location: 17p11.2.
Variant type: single nucleotide variant.
Coding change: c.453G>C on transcript NM_012452.3 (MANE Select); coding-DNA position 453, G replaced by C.
Protein change: p.Pro151=; no amino-acid change (proline 151 retained).
Molecular consequence: synonymous variant.
Genome position (GRCh38, 1-based): chr17:16,940,504, C>G on the plus strand (G>C on the coding strand, the complement: TNFRSF13B is on the minus strand). VCF-style: chr17-16940504-C-G. GRCh37 (hg19) VCF-style: chr17-16843818-C-G.
Identifiers: ClinVar variation 221902 (VCV000221902.1), dbSNP rs768819413, ClinGen allele CA059854.
Genomic context (GRCh38, chr17:16,940,504, plus strand): 5'-CAGGCAGAGCCCCAGCGTGCTGTAGACCAGGGCCACCTGATCTGCACTCAGCTTCAGCCC[C>G]GGGAGAGCTGCAAGACAGCATGAGACCCCTCTCTGCAGTGCCTTCTTCTCTTCCCGTCAT-3'
Protein context (NP_036584.1, residues 141-161): HRGSEASPAL[Pro151=]GLKLSADQVA